The following is an entry in ClinVar:

ClinVar aggregate classification (germline): Uncertain significance (1 of 4 stars; one submission).

Conditions:
Tuberous sclerosis 2 (TSC2). Identifiers: Orphanet 805, MedGen C1860707, MONDO:0013199, OMIM 613254.

Submission:

Labcorp Genetics (formerly Invitae), Labcorp
Classification: Uncertain significance for Tuberous sclerosis 2. Last evaluated: 2024-06-12. Review status: criteria provided, single submitter. Criteria: Invitae Variant Classification Sherloc (09022015). Collection method: clinical testing. Allele origin: germline.
Comment: This sequence change replaces alanine, which is neutral and non-polar, with glycine, which is neutral and non-polar, at codon 1323 of the TSC2 protein (p.Ala1323Gly). This variant is not present in population databases (gnomAD no frequency). This variant has not been reported in the literature in individuals affected with TSC2-related conditions. Advanced modeling of protein sequence and biophysical properties (such as structural, functional, and spatial information, amino acid conservation, physicochemical variation, residue mobility, and thermodynamic stability) performed at Invitae indicates that this missense variant is not expected to disrupt TSC2 protein function with a negative predictive value of 95%. In summary, the available evidence is currently insufficient to determine the role of this variant in disease. Therefore, it has been classified as a Variant of Uncertain Significance.

NM_000548.5(TSC2):c.3968C>G (p.Ala1323Gly)

Gene: TSC2 (TSC complex subunit 2; plus strand). Cytogenetic location: 16p13.3.
Variant type: single nucleotide variant.
Coding change: c.3968C>G on transcript NM_000548.5 (MANE Select); coding-DNA position 3968, C replaced by G.
Protein change: p.Ala1323Gly; replaces alanine 1323 with glycine.
Molecular consequence: missense variant. On other transcripts: non-coding transcript variant (5).
Genome position (GRCh38, 1-based): chr16:2,083,779, C>G. VCF-style: chr16-2083779-C-G. GRCh37 (hg19) VCF-style: chr16-2133780-C-G.
Other names: c.3767C>G, p.Ala1256Gly (NM_001077183.3); c.3899C>G, p.Ala1300Gly (NM_001114382.3); c.3659C>G, p.Ala1220Gly (NM_001318827.2); c.3623C>G, p.Ala1208Gly (NM_001318829.2); c.3236C>G, p.Ala1079Gly (NM_001318831.2); c.3800C>G, p.Ala1267Gly (NM_001318832.2); c.3770C>G, p.Ala1257Gly (NM_001363528.2); c.3836C>G, p.Ala1279Gly (NM_001370404.1); and 26 more; short protein forms A1056G, A1103G, A1207G, A1219G, A1220G, A1253G, A1279G, A1280G.
Identifiers: ClinVar variation 3695120 (VCV003695120.2).